The following is an entry in ClinVar:

ClinVar aggregate classification (germline): Uncertain significance. Review status: criteria provided, multiple submitters, no conflicts (2 of 4 stars). 2 submissions from 2 submitters: Uncertain significance (2). Last evaluated 2025-03-02.

Conditions:
Hereditary pheochromocytoma and paraganglioma. Also called: Hereditary Paraganglioma-Pheochromocytoma Syndromes; Hereditary paragangliomas and pheochromocytomas; Hereditary pheochromocytoma-paraganglioma. Identifiers: Orphanet 29072, MedGen C4274332, MONDO:0017366.
Hereditary cancer-predisposing syndrome. Also called: Neoplastic Syndromes, Hereditary; Hereditary Cancer Syndrome; Tumor predisposition; Hereditary neoplastic syndrome. Identifiers: Orphanet 140162, MedGen C0027672, MeSH D009386, MONDO:0015356.

Submissions (2):

Labcorp Genetics (formerly Invitae), Labcorp
Classification: Uncertain significance for Hereditary pheochromocytoma and paraganglioma. Last evaluated: 2025-03-02. Review status: criteria provided, single submitter. Criteria: Invitae Variant Classification Sherloc (09022015). Collection method: clinical testing. Allele origin: germline.
Comment: This sequence change replaces arginine, which is basic and polar, with cysteine, which is neutral and slightly polar, at codon 63 of the TMEM127 protein (p.Arg63Cys). This variant is not present in population databases (gnomAD no frequency). This variant has not been reported in the literature in individuals affected with TMEM127-related conditions. ClinVar contains an entry for this variant (Variation ID: 583245). An algorithm developed to predict the effect of missense changes on protein structure and function (PolyPhen-2) suggests that this variant is likely to be tolerated. In summary, the available evidence is currently insufficient to determine the role of this variant in disease. Therefore, it has been classified as a Variant of Uncertain Significance.

Ambry Genetics
Classification: Uncertain significance for Hereditary cancer-predisposing syndrome. Last evaluated: 2023-09-27. Review status: criteria provided, single submitter. Criteria: Ambry Variant Classification Scheme 2023. Collection method: clinical testing. Allele origin: germline.
Comment: The p.R63C variant (also known as c.187C>T), located in coding exon 1 of the TMEM127 gene, results from a C to T substitution at nucleotide position 187. The arginine at codon 63 is replaced by cysteine, an amino acid with highly dissimilar properties. This amino acid position is highly conserved in available vertebrate species. In addition, the in silico prediction for this alteration is inconclusive. Since supporting evidence is limited at this time, the clinical significance of this alteration remains unclear.

NM_017849.4(TMEM127):c.187C>T (p.Arg63Cys)

Gene: TMEM127 (transmembrane protein 127; minus strand). Cytogenetic location: 2q11.2.
Variant type: single nucleotide variant.
Coding change: c.187C>T on transcript NM_017849.4 (MANE Select); coding-DNA position 187, C replaced by T.
Protein change: p.Arg63Cys; replaces arginine 63 with cysteine.
Molecular consequence: missense variant.
Genome position (GRCh38, 1-based): chr2:96,265,195, G>A on the plus strand (C>T on the coding strand, the complement: TMEM127 is on the minus strand). VCF-style: chr2-96265195-G-A. GRCh37 (hg19) VCF-style: chr2-96930933-G-A.
Other names: c.187C>T, p.Arg63Cys (NM_001193304.3); short protein forms R63C.
Identifiers: ClinVar variation 583245 (VCV000583245.9), dbSNP rs1558756534, ClinGen allele CA347655938.